The following is an entry in ClinVar:

ClinVar aggregate classification (germline): Pathogenic. Review status: criteria provided, multiple submitters, no conflicts (2 of 4 stars). 2 submissions from 2 submitters: Pathogenic (2). Last evaluated 2024-09-10.

Submissions (2):

Dasa
Classification: Pathogenic. Last evaluated: 2024-09-10. Review status: criteria provided, single submitter. Criteria: DASA Assertion Criteria. Collection method: clinical testing. Allele origin: germline.
Comment: NM_001379500.1(COL18A1):c.1633A>T (p.Arg545*) introduces a premature termination codon predicted to result in loss of normal protein function. Loss-of-function is an established mechanism of disease for this gene. Based on the available data, this variant is classified as pathogenic.

Labcorp Genetics (formerly Invitae), Labcorp
Classification: Pathogenic. Last evaluated: 2024-06-28. Review status: criteria provided, single submitter. Criteria: Invitae Variant Classification Sherloc (09022015). Collection method: clinical testing. Allele origin: germline.
Comment: This sequence change creates a premature translational stop signal (p.Arg545*) in the COL18A1 gene. It is expected to result in an absent or disrupted protein product. Loss-of-function variants in COL18A1 are known to be pathogenic (PMID: 12415512, 25456301). This variant is not present in population databases (gnomAD no frequency). This variant has not been reported in the literature in individuals affected with COL18A1-related conditions. For these reasons, this variant has been classified as Pathogenic.

Literature cited by the submitters: PubMed 12415512 (cited by Labcorp Genetics (formerly Invitae), Labcorp); PubMed 25456301 (cited by Labcorp Genetics (formerly Invitae), Labcorp).

NM_001379500.1(COL18A1):c.1633A>T (p.Arg545Ter)

Gene: COL18A1 (collagen type XVIII alpha 1 chain; plus strand). Cytogenetic location: 21q22.3.
Variant type: single nucleotide variant.
Coding change: c.1633A>T on transcript NM_001379500.1 (MANE Select); coding-DNA position 1633, A replaced by T.
Protein change: p.Arg545Ter; replaces arginine 545 with a stop codon.
Molecular consequence: nonsense.
Genome position (GRCh38, 1-based): chr21:45,481,984, A>T. VCF-style: chr21-45481984-A-T. GRCh37 (hg19) VCF-style: chr21-46901898-A-T.
Other names: c.2173A>T, p.Arg725Ter (NM_030582.4); c.2878A>T, p.Arg960Ter (NM_130444.3); short protein forms R960*, R545*, R725*.
Identifiers: ClinVar variation 3647105 (VCV003647105.3).
Genomic context (GRCh38, chr21:45,481,984, plus strand): 5'-GAATGCCATCAAGACCCACTATGCTCTGCTCTCCCCCAGGGACCCCCAGGCCCTCCGGGA[A>T]GAGAGGGGCCCCCAGGAAGGACTGGGCAGAAAGGCAGCCTGGTAAGTCTTCCCTCGAGTC-3'